The following is an entry in ClinVar:

NM_030662.4(MAP2K2):c.547T>C (p.Tyr183His)

Gene: MAP2K2 (mitogen-activated protein kinase kinase 2; minus strand). Cytogenetic location: 19p13.3.
Variant type: single nucleotide variant.
Coding change: c.547T>C on transcript NM_030662.4 (MANE Select); coding-DNA position 547, T replaced by C.
Protein change: p.Tyr183His; replaces tyrosine 183 with histidine.
Molecular consequence: missense variant.
Genome position (GRCh38, 1-based): chr19:4,101,262, A>G on the plus strand (T>C on the coding strand, the complement: MAP2K2 is on the minus strand). VCF-style: chr19-4101262-A-G. GRCh37 (hg19) VCF-style: chr19-4101260-A-G.
Other names: short protein forms Y183H.
Identifiers: ClinVar variation 1716286 (VCV001716286.5), dbSNP rs2512310624, ClinGen allele CA403388992.
Genomic context (GRCh38, chr19:4,101,262, plus strand): 5'-CTCTGGGGAGGGCGGGCTGGGCCTTACCTCGGTGCATGATCTGGTGCTTCTCTCGGAGGT[A>G]CGCCAAGCCCCGGAGAACCTGCAGGGGAGCGCGGAGGGAGTCACGGGACAAGGCCACCAG-3'
Protein context (NP_109587.1, residues 173-193): VSIAVLRGLA[Tyr183His]LREKHQIMHR

ClinVar aggregate classification (germline): Uncertain significance (1 of 4 stars; one submission).

Conditions:
RASopathy. Also called: rasopathies; Noonan spectrum disorder. Identifiers: Orphanet 536391, MedGen C5555857, MONDO:0021060.

Submission:

Labcorp Genetics (formerly Invitae), Labcorp
Classification: Uncertain significance for RASopathy. Last evaluated: 2022-08-12. Review status: criteria provided, single submitter. Criteria: Invitae Variant Classification Sherloc (09022015). Collection method: clinical testing. Allele origin: germline.
Comment: This sequence change replaces tyrosine, which is neutral and polar, with histidine, which is basic and polar, at codon 183 of the MAP2K2 protein (p.Tyr183His). This variant is not present in population databases (gnomAD no frequency). This variant has not been reported in the literature in individuals affected with MAP2K2-related conditions. Advanced modeling of protein sequence and biophysical properties (such as structural, functional, and spatial information, amino acid conservation, physicochemical variation, residue mobility, and thermodynamic stability) performed at Invitae indicates that this missense variant is expected to disrupt MAP2K2 protein function. In summary, the available evidence is currently insufficient to determine the role of this variant in disease. Therefore, it has been classified as a Variant of Uncertain Significance.